The following is an entry in ClinVar:

NM_017780.4(CHD7):c.2908G>A (p.Glu970Lys)

Gene: CHD7 (chromodomain helicase DNA binding protein 7; plus strand). Cytogenetic location: 8q12.2.
Variant type: single nucleotide variant.
Coding change: c.2908G>A on transcript NM_017780.4 (MANE Select); coding-DNA position 2908, G replaced by A.
Protein change: p.Glu970Lys; replaces glutamic acid 970 with lysine.
Molecular consequence: missense variant. On other transcripts: intron variant (1).
Genome position (GRCh38, 1-based): chr8:60,822,096, G>A. VCF-style: chr8-60822096-G-A. GRCh37 (hg19) VCF-style: chr8-61734655-G-A.
Other names: c.1717-40133G>A (NM_001316690.1); short protein forms E970K.
Identifiers: ClinVar variation 4997129 (VCV004997129.1).

ClinVar aggregate classification (germline): Uncertain significance (1 of 4 stars; one submission).

Conditions:
CHD7-related disorder. Also called: CHD7-related condition.

Submission:

PreventionGenetics, part of Exact Sciences
Classification: Uncertain significance for CHD7-related condition. Last evaluated: 2025-02-26. Review status: criteria provided, single submitter. Criteria: ACMG Guidelines, 2015. Collection method: clinical testing. Allele origin: germline.
Comment: The CHD7 c.2908G>A variant is predicted to result in the amino acid substitution p.Glu970Lys. To our knowledge, this variant has not been reported in the literature or in a large population database (gnomAD), indicating this variant is rare. At this time, the clinical significance of this variant is uncertain due to the absence of conclusive functional and genetic evidence.